The following is an entry in ClinVar:

NM_000083.3(CLCN1):c.1593G>A (p.Ala531=)

Gene: CLCN1 (chloride voltage-gated channel 1; plus strand). Cytogenetic location: 7q34.
Variant type: single nucleotide variant.
Coding change: c.1593G>A on transcript NM_000083.3 (MANE Select); coding-DNA position 1593, G replaced by A.
Protein change: p.Ala531=; no amino-acid change (alanine 531 retained).
Molecular consequence: synonymous variant. On other transcripts: non-coding transcript variant (1).
Genome position (GRCh38, 1-based): chr7:143,341,939, G>A. VCF-style: chr7-143341939-G-A. GRCh37 (hg19) VCF-style: chr7-143039032-G-A.
Identifiers: ClinVar variation 510550 (VCV000510550.13), dbSNP rs367696668, ClinGen allele CA4537435.

ClinVar aggregate classification (germline): Likely benign. Review status: criteria provided, multiple submitters, no conflicts (2 of 4 stars). 3 submissions from 3 submitters: Likely benign (3). Last evaluated 2025-11-04.

Conditions:
Batten-Turner congenital myopathy. Also called: Congenital myotonia; Myotonia congenita. Identifiers: Orphanet 206973, MedGen C0027127, MONDO:0100468, OMIM 255300.
Congenital myotonia, autosomal recessive form. Also called: myotonia congenita, autosomal recessive; BECKER DISEASE; Becker Generalized Myotonia. Identifiers: Orphanet 614, MedGen C0751360, MONDO:0009715, OMIM 255700.
Congenital myotonia, autosomal dominant form (THD). Also called: Myotonia congenita autosomal dominant; THOMSEN DISEASE. Identifiers: Orphanet 614, MedGen C2936781, MONDO:0008055, OMIM 160800.

Allele frequency attached by ClinVar (database versions not stated): gnomAD exomes 0.00001 and 0.00002; ExAC 0.00003; TOPMed 0.00003; gnomAD 0.00004 and 0.00005; ESP Exome Variant Server 0.00008.
gnomAD v4.1: 28 of 1,613,180 alleles (0.0017%); highest among the groups gnomAD compares: Admixed American, 0.005%; no homozygotes.

Submissions (3):

Labcorp Genetics (formerly Invitae), Labcorp
Classification: Likely benign for Congenital myotonia, autosomal recessive form; Congenital myotonia, autosomal dominant form. Last evaluated: 2025-11-04. Review status: criteria provided, single submitter. Criteria: Invitae Variant Classification Sherloc (09022015). Collection method: clinical testing. Allele origin: germline.

Illumina Laboratory Services, Illumina
Classification: Likely benign for Myotonia congenita. Last evaluated: 2018-01-13. Review status: criteria provided, single submitter. Criteria: ICSL Variant Classification Criteria 13 December 2019. Collection method: clinical testing. Allele origin: germline.
Comment: This variant was observed in the ICSL laboratory as part of a predisposition screen in an ostensibly healthy population. It had not been previously curated by ICSL or reported in the Human Gene Mutation Database (HGMD: prior to June 1st, 2018), and was therefore a candidate for classification through an automated scoring system. Utilizing variant allele frequency, disease prevalence and penetrance estimates, and inheritance mode, an automated score was calculated to assess if this variant is too frequent to cause the disease. Based on the score and internal cut-off values, a variant classified as likely benign is not then subjected to further curation. The score for this variant resulted in a classification of likely benign for this disease.

GeneDx
Classification: Likely benign. Last evaluated: 2017-07-06. Review status: criteria provided, single submitter. Criteria: GeneDx Variant Classification (06012015). Collection method: clinical testing. Allele origin: germline. Affected: yes.
Comment: This variant is considered likely benign or benign based on one or more of the following criteria: it is a conservative change, it occurs at a poorly conserved position in the protein, it is predicted to be benign by multiple in silico algorithms, and/or has population frequency not consistent with disease.